The following is an entry in ClinVar:

NC_000010.11:g.80275200del

Gene: MAT1A (methionine adenosyltransferase 1A; minus strand). Cytogenetic location: 10q22.3.
Variant type: Deletion.
Genome position: GRCh38 VCF-style: chr10-80275195-TC-T. GRCh37 (hg19) VCF-style: chr10-82034951-TC-T.
Identifiers: ClinVar variation 2742248 (VCV002742248.3), dbSNP rs1564645686, ClinGen allele CA918715943.
Genomic context (GRCh38, chr10:80,275,195, plus strand): 5'-CCATGAGCCCCCCAGCCGCCATAGGTGTCCACAATAATCTTACGGCCAGTGACACCCGCA[TC>T]CCCCTGCAGAGGGAGAGAAATCAAGATAAGAAGCAGAGCCAGCCCCTAGATGCTGGAGGG-3'

ClinVar aggregate classification (germline): Pathogenic (1 of 4 stars; one submission).

Conditions:
Hepatic methionine adenosyltransferase deficiency. Also called: Isolated Persistent Hypermethioninemia; Methionine adenosyltransferase deficiency; Deficiency of methionine adenosyltransferase; MAT I/III DEFICIENCY. Identifiers: Orphanet 168598, MedGen C0268621, MeSH C564683, MONDO:0009607, OMIM 250850.

Submission:

Labcorp Genetics (formerly Invitae), Labcorp
Classification: Pathogenic for Hepatic methionine adenosyltransferase deficiency. Last evaluated: 2023-09-19. Review status: criteria provided, single submitter. Criteria: Invitae Variant Classification Sherloc (09022015). Collection method: clinical testing. Allele origin: germline.
Comment: This sequence change creates a premature translational stop signal (p.Asp258Metfs*33) in the MAT1A gene. It is expected to result in an absent or disrupted protein product. Loss-of-function variants in MAT1A are known to be pathogenic (PMID: 20675163, 24231718). This variant is not present in population databases (gnomAD no frequency). This variant has not been reported in the literature in individuals affected with MAT1A-related conditions. For these reasons, this variant has been classified as Pathogenic.

Literature cited by the submitters: PubMed 20675163; PubMed 24231718.